The following is an entry in ClinVar:

NM_014615.5(GSE1):c.2927T>C (p.Leu976Pro)

Gene: GSE1 (Gse1 coiled-coil protein; plus strand). Cytogenetic location: 16q24.1.
Variant type: single nucleotide variant.
Coding change: c.2927T>C on transcript NM_014615.5 (MANE Select); coding-DNA position 2927, T replaced by C.
Protein change: p.Leu976Pro; replaces leucine 976 with proline.
Molecular consequence: missense variant.
Genome position (GRCh38, 1-based): chr16:85,666,144, T>C. VCF-style: chr16-85666144-T-C. GRCh37 (hg19) VCF-style: chr16-85699750-T-C.
Other names: c.2615T>C, p.Leu872Pro (NM_001134473.3); c.2708T>C, p.Leu903Pro (NM_001278184.3); short protein forms L872P, L903P, L976P.
Identifiers: ClinVar variation 2646941 (VCV002646941.24), dbSNP rs1207241691, ClinGen allele CA396997471.

ClinVar aggregate classification (germline): Likely benign (1 of 4 stars; one submission).

Allele frequency attached by ClinVar (database versions not stated): gnomAD exomes below 0.00001; TOPMed 0.00001.
gnomAD v4.1: 2 of 1,613,392 alleles (0.00012%); highest among the groups gnomAD compares: Admixed American, 0.0033%; no homozygotes.

Submission:

CeGaT Center for Human Genetics Tuebingen
Classification: Likely benign. Last evaluated: 2022-06-01. Review status: criteria provided, single submitter. Criteria: CeGaT Center For Human Genetics Tuebingen Variant Classification Criteria Version 2. Collection method: clinical testing. Allele origin: germline. Affected: yes. Observed: 1 variant allele.
Comment: GSE1: BP4